The following is an entry in ClinVar:

ClinVar aggregate classification (germline): Likely benign (1 of 4 stars; one submission).

Submission:

CeGaT Center for Human Genetics Tuebingen
Classification: Likely benign. Last evaluated: 2026-01-01. Review status: criteria provided, single submitter. Criteria: CeGaT Center For Human Genetics Tuebingen Variant Classification Criteria Version 2. Collection method: clinical testing. Allele origin: germline. Affected: yes. Observed: 1 variant allele.
Comment: DNAAF4: BS2

NM_130810.4(DNAAF4):c.-255-28_-255-10dup

Gene: DNAAF4 (dynein axonemal assembly factor 4; minus strand). Cytogenetic location: 15q21.3.
Variant type: Duplication.
Coding change: c.-255-28_-255-10dup on transcript NM_130810.4 (MANE Select); 28 bases into the intron before 255 bases upstream of the start codon through 10 bases into the intron before 255 bases upstream of the start codon, 19 bases duplicated (TTTTTTTTTTTTTTTTTTT).
Molecular consequence: intron variant.
Genome position (GRCh38, 1-based): chr15:55,498,594-55,498,612, AAAAAAAAAAAAAAAAAAA duplicated on the plus strand (TTTTTTTTTTTTTTTTTTT on the coding strand, the reverse complement: DNAAF4 is on the minus strand); duplicating any 19 consecutive bases within chr15:55,498,594-55,498,613 gives the same sequence; the c. name uses the placement nearest the transcript's 3' end. VCF-style (leftmost placement, unchanged base first): chr15-55498593-G-GAAAAAAAAAAAAAAAAAAA. GRCh37 (hg19) VCF-style: chr15-55790791-G-GAAAAAAAAAAAAAAAAAAA.
Other names: c.-255-28_-255-10dup (NM_001033560.2, NM_001033559.3).
Identifiers: ClinVar variation 4821804 (VCV004821804.4).